The following is an entry in ClinVar:

NM_031483.7(ITCH):c.1279G>A (p.Asp427Asn)

Gene: ITCH (itchy E3 ubiquitin protein ligase; plus strand). Cytogenetic location: 20q11.22.
Variant type: single nucleotide variant.
Coding change: c.1279G>A on transcript NM_031483.7 (MANE Select); coding-DNA position 1279, G replaced by A.
Protein change: p.Asp427Asn; replaces aspartic acid 427 with asparagine.
Molecular consequence: missense variant.
Genome position (GRCh38, 1-based): chr20:34,457,458, G>A. VCF-style: chr20-34457458-G-A. GRCh37 (hg19) VCF-style: chr20-33045263-G-A.
Other names: c.1402G>A, p.Asp468Asn (NM_001257137.3, NM_001324197.2); c.949G>A, p.Asp317Asn (NM_001257138.3); c.1279G>A, p.Asp427Asn (NM_001324198.2); short protein forms D427N, D317N, D468N.
Identifiers: ClinVar variation 2079977 (VCV002079977.4), dbSNP rs2515751062, ClinGen allele CA408665782.

ClinVar aggregate classification (germline): Uncertain significance (1 of 4 stars; one submission).

Conditions:
Syndromic multisystem autoimmune disease due to ITCH deficiency. Also called: AUTOIMMUNE DISEASE, MULTISYSTEM, WITH FACIAL DYSMORPHISM. Identifiers: Orphanet 228426, MedGen C3150649, MONDO:0013245, OMIM 613385.

gnomAD v4.1: 4 of 1,608,558 alleles (0.00025%); highest among the groups gnomAD compares: Non-Finnish European, 0.00034%; no homozygotes.

Submission:

Labcorp Genetics (formerly Invitae), Labcorp
Classification: Uncertain significance for Syndromic multisystem autoimmune disease due to ITCH deficiency. Last evaluated: 2025-06-16. Review status: criteria provided, single submitter. Criteria: Invitae Variant Classification Sherloc (09022015). Collection method: clinical testing. Allele origin: germline.
Comment: This sequence change replaces aspartic acid, which is acidic and polar, with asparagine, which is neutral and polar, at codon 427 of the ITCH protein (p.Asp427Asn). This variant is not present in population databases (gnomAD no frequency). This variant has not been reported in the literature in individuals affected with ITCH-related conditions. ClinVar contains an entry for this variant (Variation ID: 2079977). An algorithm developed to predict the effect of missense changes on protein structure and function (PolyPhen-2) suggests that this variant is likely to be disruptive. In summary, the available evidence is currently insufficient to determine the role of this variant in disease. Therefore, it has been classified as a Variant of Uncertain Significance.